The following is an entry in ClinVar:

ClinVar aggregate classification (germline): Uncertain significance (1 of 4 stars; one submission).

Conditions:
Hereditary cancer-predisposing syndrome. Also called: Tumor predisposition; Hereditary Cancer Syndrome; Hereditary neoplastic syndrome; Neoplastic Syndromes, Hereditary. Identifiers: Orphanet 140162, MedGen C0027672, MeSH D009386, MONDO:0015356.

Submission:

Ambry Genetics
Classification: Uncertain significance for Hereditary cancer-predisposing syndrome. Last evaluated: 2026-01-15. Review status: criteria provided, single submitter. Criteria: Ambry Variant Classification Scheme 2023. Collection method: clinical testing. Allele origin: germline.
Comment: The c.3459+3A>G intronic variant results from an A to G substitution 3 nucleotides after coding exon 28 in the POLE gene. This nucleotide position is not well conserved in available vertebrate species. In silico splice site analysis predicts that this alteration will not have any significant effect on splicing. Based on the available evidence, the clinical significance of this variant remains unclear.

NM_006231.4(POLE):c.3459+3A>G

Gene: POLE (DNA polymerase epsilon, catalytic subunit; minus strand). Cytogenetic location: 12q24.33.
Variant type: single nucleotide variant.
Coding change: c.3459+3A>G on transcript NM_006231.4 (MANE Select); 3 bases into the intron after coding-DNA position 3459, A replaced by G.
Molecular consequence: intron variant.
Genome position (GRCh38, 1-based): chr12:132,657,346, T>C on the plus strand (A>G on the coding strand, the complement: POLE is on the minus strand). VCF-style: chr12-132657346-T-C. GRCh37 (hg19) VCF-style: chr12-133233932-T-C.
Identifiers: ClinVar variation 1731602 (VCV001731602.3), dbSNP rs1555225183, ClinGen allele CA2580086012.